The following is an entry in ClinVar:

ClinVar aggregate classification (germline): Uncertain significance (1 of 4 stars; one submission).

Allele frequency attached by ClinVar (database versions not stated): gnomAD exomes below 0.00001.
gnomAD v4.1: 1 of 1,613,130 alleles (0.000062%); highest among the groups gnomAD compares: Non-Finnish European, 0.000085%; no homozygotes.

Submission:

Laboratory for Molecular Medicine, Mass General Brigham Personalized Medicine
Classification: Uncertain significance. Last evaluated: 2017-06-28. Review status: criteria provided, single submitter. Criteria: LMM Criteria. Collection method: clinical testing. Allele origin: germline. Observed: 1 variant allele.
Comment: The p.Leu19524Arg variant in TTN has not been previously reported in individuals with cardiomyopathy and was absent from large population studies. Computational prediction tools and conservation analysis do not provide strong support for or against an impact to the protein. In summary, the clinical significance of the p.Leu19524Arg variant is uncertain.

NM_001267550.2(TTN):c.66275T>G (p.Leu22092Arg)

Genes: TTN (titin; minus strand), TTN-AS1 (TTN antisense RNA 1; plus strand). Cytogenetic location: 2q31.2.
Variant type: single nucleotide variant.
Coding change: c.66275T>G on transcript NM_001267550.2 (MANE Select); coding-DNA position 66275, T replaced by G.
Protein change: p.Leu22092Arg; replaces leucine 22092 with arginine.
Molecular consequence: missense variant.
Genome position (GRCh38, 1-based): chr2:178,582,094, A>C on the plus strand (T>G on the coding strand, the complement: TTN is on the minus strand). VCF-style: chr2-178582094-A-C. GRCh37 (hg19) VCF-style: chr2-179446821-A-C.
Other names: c.58571T>G, p.Leu19524Arg (NM_133378.4); c.61352T>G, p.Leu20451Arg (NM_001256850.1); c.39080T>G, p.Leu13027Arg (NM_003319.4); c.39455T>G, p.Leu13152Arg (NM_133432.3); c.39656T>G, p.Leu13219Arg (NM_133437.4); short protein forms L19524R, L22092R, L13219R, L13152R, L20451R, L13027R.
Identifiers: ClinVar variation 505892 (VCV000505892.5), dbSNP rs1553627146, ClinGen allele CA349429487.